The following is an entry in ClinVar:

NR_003051.4(RMRP):n.202C>T

Gene: RMRP (RNA component of mitochondrial RNA processing endoribonuclease; minus strand). Cytogenetic location: 9p13.3.
Variant type: single nucleotide variant.
Genome position: GRCh38 VCF-style: chr9-35657818-G-A. GRCh37 (hg19) VCF-style: chr9-35657815-G-A.
Identifiers: ClinVar variation 956832 (VCV000956832.8), dbSNP rs1245933575, ClinGen allele CA464450569.

ClinVar aggregate classification (germline): Uncertain significance. Review status: criteria provided, multiple submitters, no conflicts (2 of 4 stars). 3 submissions from 3 submitters: Uncertain significance (2). 1 of the submissions does not count toward it. Last evaluated 2021-08-28.

Conditions:
Anauxetic dysplasia. Identifiers: Orphanet 93347, MedGen C1846796, MONDO:0011773.
Metaphyseal chondrodysplasia, McKusick type (CHH). Also called: Cartilage-hair hypoplasia; Cartilage-Hair Hypoplasia (CHH). Identifiers: Orphanet 175, MedGen C0220748, MONDO:0009595, OMIM 250250.
Anauxetic dysplasia 1 (ANXD1). Also called: Anauxetic Dysplasia (AD). Identifiers: Orphanet 93347, MedGen C4551965, MONDO:0054560, OMIM 607095.
Metaphyseal dysplasia without hypotrichosis. Also called: CARTILAGE-HAIR HYPOPLASIA VARIANT, SKELETAL MANIFESTATIONS ONLY; CARTILAGE-HAIR HYPOPLASIA-LIKE SKELETAL DYSPLASIA WITHOUT HYPOTRICHOSIS OR IMMUNODEFICIENCY; Metaphyseal Dysplasia without Hypotrichosis (MDWH). Identifiers: MedGen C1834821, MONDO:0009601, OMIM 250460.

Allele frequency attached by ClinVar (database versions not stated): gnomAD 0.00001.

Submissions (3):

Labcorp Genetics (formerly Invitae), Labcorp
Classification: Uncertain significance for Anauxetic dysplasia. Last evaluated: 2021-08-28. Review status: criteria provided, single submitter. Criteria: Invitae Variant Classification Sherloc (09022015). Collection method: clinical testing. Allele origin: germline.
Comment: This variant occurs in the RMRP gene, which encodes an RNA molecule that does not result in a protein product. The frequency data for this variant in the population databases is considered unreliable, as metrics indicate insufficient coverage at this position in the ExAC database. This variant has not been reported in the literature in individuals affected with RMRP-related conditions. Experimental studies and prediction algorithms are not available or were not evaluated, and the functional significance of this variant is currently unknown. In summary, the available evidence is currently insufficient to determine the role of this variant in disease. Therefore, it has been classified as a Variant of Uncertain Significance.

Fulgent Genetics
Classification: Uncertain significance for Metaphyseal chondrodysplasia, McKusick type; Metaphyseal dysplasia without hypotrichosis; Anauxetic dysplasia 1. Last evaluated: 2021-07-25. Review status: criteria provided, single submitter. Criteria: ACMG Guidelines, 2015. Collection method: clinical testing. Allele origin: unknown.

Natera, Inc.
Classification: Uncertain significance for Cartilage-hair hypoplasia. Last evaluated: 2020-09-17. Review status: no assertion criteria provided. Collection method: clinical testing. Allele origin: germline. Not counted in ClinVar's aggregate classification.